The following is an entry in ClinVar:

NM_194293.4(XIRP1):c.198C>T (p.Arg66=)

Gene: XIRP1 (xin actin binding repeat containing 1; minus strand). Cytogenetic location: 3p22.2.
Variant type: single nucleotide variant.
Coding change: c.198C>T on transcript NM_194293.4 (MANE Select); coding-DNA position 198, C replaced by T.
Protein change: p.Arg66=; no amino-acid change (arginine 66 retained).
Molecular consequence: synonymous variant. On other transcripts: intron variant (1).
Genome position (GRCh38, 1-based): chr3:39,189,248, G>A on the plus strand (C>T on the coding strand, the complement: XIRP1 is on the minus strand). VCF-style: chr3-39189248-G-A. GRCh37 (hg19) VCF-style: chr3-39230739-G-A.
Other names: c.198C>T, p.Arg66= (NM_001198621.4); c.-168+3198C>T (NM_001351377.2).
Identifiers: ClinVar variation 3045102 (VCV003045102.2), dbSNP rs199636500, ClinGen allele CA2326787.

ClinVar aggregate classification (germline): Likely benign (0 of 4 stars; one submission).

Conditions:
XIRP1-related disorder. Also called: XIRP1-related condition.

Allele frequency attached by ClinVar (database versions not stated): gnomAD 0.00006; gnomAD exomes 0.00014; TOPMed 0.00014; 1000 Genomes Project 0.00020; 1000 Genomes Project 30x 0.00031.

Submission:

PreventionGenetics, part of Exact Sciences
Classification: Likely benign for XIRP1-related condition. Last evaluated: 2020-07-28. Review status: no assertion criteria provided. Collection method: clinical testing. Allele origin: germline.
Comment: This variant is classified as likely benign based on ACMG/AMP sequence variant interpretation guidelines (Richards et al. 2015 PMID: 25741868, with internal and published modifications).